The following is an entry in ClinVar:

ClinVar aggregate classification (germline): Uncertain significance (1 of 4 stars; one submission).

Conditions:
Ataxia-telangiectasia-like disorder (ATLD). Identifiers: MedGen C1858391, MONDO:0011457.

Submission:

Labcorp Genetics (formerly Invitae), Labcorp
Classification: Uncertain significance for Ataxia-telangiectasia-like disorder. Last evaluated: 2023-10-28. Review status: criteria provided, single submitter. Criteria: Invitae Variant Classification Sherloc (09022015). Collection method: clinical testing. Allele origin: germline.
Comment: This sequence change replaces methionine, which is neutral and non-polar, with valine, which is neutral and non-polar, at codon 554 of the MRE11 protein (p.Met554Val). This variant is not present in population databases (gnomAD no frequency). This variant has not been reported in the literature in individuals affected with MRE11-related conditions. An algorithm developed to predict the effect of missense changes on protein structure and function (PolyPhen-2) suggests that this variant is likely to be tolerated. In summary, the available evidence is currently insufficient to determine the role of this variant in disease. Therefore, it has been classified as a Variant of Uncertain Significance.

NM_005591.4(MRE11):c.1660A>G (p.Met554Val)

Gene: MRE11 (MRE11 double strand break repair nuclease; minus strand). Cytogenetic location: 11q21.
Variant type: single nucleotide variant.
Coding change: c.1660A>G on transcript NM_005591.4 (MANE Select); coding-DNA position 1660, A replaced by G.
Protein change: p.Met554Val; replaces methionine 554 with valine.
Molecular consequence: missense variant.
Genome position (GRCh38, 1-based): chr11:94,447,342, T>C on the plus strand (A>G on the coding strand, the complement: MRE11 is on the minus strand). VCF-style: chr11-94447342-T-C. GRCh37 (hg19) VCF-style: chr11-94180508-T-C.
Other names: c.1660A>G, p.Met554Val (NM_001330347.2, NM_005590.4); short protein forms M554V.
Identifiers: ClinVar variation 3011629 (VCV003011629.3), dbSNP rs2496295782, ClinGen allele CA382368444.